The following is an entry in ClinVar:

NM_022168.4(IFIH1):c.1992G>T (p.Lys664Asn)

Gene: IFIH1 (interferon induced with helicase C domain 1; minus strand). Cytogenetic location: 2q24.2.
Variant type: single nucleotide variant.
Coding change: c.1992G>T on transcript NM_022168.4 (MANE Select); coding-DNA position 1992, G replaced by T.
Protein change: p.Lys664Asn; replaces lysine 664 with asparagine.
Molecular consequence: missense variant.
Genome position (GRCh38, 1-based): chr2:162,277,467, C>A on the plus strand (G>T on the coding strand, the complement: IFIH1 is on the minus strand). VCF-style: chr2-162277467-C-A. GRCh37 (hg19) VCF-style: chr2-163133977-C-A.
Other names: short protein forms K664N.
Identifiers: ClinVar variation 1675091 (VCV001675091.5), dbSNP rs2105197453, ClinGen allele CA348998569.

ClinVar aggregate classification (germline): Uncertain significance. Review status: criteria provided, multiple submitters, no conflicts (2 of 4 stars). 2 submissions from 2 submitters: Uncertain significance (2). Last evaluated 2024-07-31.

Conditions:
Singleton-Merten syndrome 1 (SGMRT1). Also called: Widened medullary cavities of bone, aortic calcification, abnormal dentition, and muscular weakness; Syndrome of widened medullary cavities of the metacarpals and phalanges, aortic calcification and abnormal dentition. Identifiers: Orphanet 85191, MedGen C4225427, MONDO:0024535, OMIM 182250.
Aicardi-Goutieres syndrome 7 (AGS7). Identifiers: Orphanet 51, MedGen C3888244, MONDO:0014367, OMIM 615846.

Allele frequency attached by ClinVar (database versions not stated): gnomAD exomes below 0.00001.
gnomAD v4.1: 2 of 1,608,810 alleles (0.00012%); highest among the groups gnomAD compares: Non-Finnish European, 0.000085%; no homozygotes.

Submissions (2):

Labcorp Genetics (formerly Invitae), Labcorp
Classification: Uncertain significance for Aicardi-Goutieres syndrome 7; Singleton-Merten syndrome 1. Last evaluated: 2024-07-31. Review status: criteria provided, single submitter. Criteria: Invitae Variant Classification Sherloc (09022015). Collection method: clinical testing. Allele origin: germline.
Comment: This sequence change replaces lysine, which is basic and polar, with asparagine, which is neutral and polar, at codon 664 of the IFIH1 protein (p.Lys664Asn). This variant is not present in population databases (gnomAD no frequency). This variant has not been reported in the literature in individuals affected with IFIH1-related conditions. ClinVar contains an entry for this variant (Variation ID: 1675091). An algorithm developed to predict the effect of missense changes on protein structure and function outputs the following: PolyPhen-2: "Benign". The asparagine amino acid residue is found in multiple mammalian species, which suggests that this missense change does not adversely affect protein function. In summary, the available evidence is currently insufficient to determine the role of this variant in disease. Therefore, it has been classified as a Variant of Uncertain Significance.

Center for Genomics, Ann and Robert H. Lurie Children's Hospital of Chicago
Classification: Uncertain significance for Aicardi-Goutieres syndrome 7; Singleton-Merten syndrome 1. Review status: criteria provided, single submitter. Criteria: ACMG Guidelines, 2015. Collection method: clinical testing. Allele origin: germline.
Comment: IFIH1 NM_022168.3 exon 10 p.Lys664Asn (c.1992G>T): This variant has not been reported in the literature and is not present in large control databases. Evolutionary conservation and computational predictive tools suggest that this variant may not impact the protein. In summary, data on this variant is insufficient for disease classification. Therefore, the clinical significance of this variant is uncertain.